The following is an entry in ClinVar:

ClinVar aggregate classification (germline): Uncertain significance. Review status: criteria provided, multiple submitters, no conflicts (2 of 4 stars). 2 submissions from 2 submitters: Uncertain significance (2). Last evaluated 2024-04-30.

Conditions:
FBXO11-related disorder. Also called: FBXO11-related condition.

Allele frequency attached by ClinVar (database versions not stated): ExAC 0.00001.

Submissions (2):

Labcorp Genetics (formerly Invitae), Labcorp
Classification: Uncertain significance. Last evaluated: 2024-04-30. Review status: criteria provided, single submitter. Criteria: Invitae Variant Classification Sherloc (09022015). Collection method: clinical testing. Allele origin: germline.
Comment: This sequence change replaces glutamine, which is neutral and polar, with histidine, which is basic and polar, at codon 356 of the FBXO11 protein (p.Gln356His). This variant is present in population databases (rs528107824, gnomAD 0.003%). This variant has not been reported in the literature in individuals affected with FBXO11-related conditions. ClinVar contains an entry for this variant (Variation ID: 2629872). An algorithm developed to predict the effect of missense changes on protein structure and function (PolyPhen-2) suggests that this variant is likely to be tolerated. In summary, the available evidence is currently insufficient to determine the role of this variant in disease. Therefore, it has been classified as a Variant of Uncertain Significance.

PreventionGenetics, part of Exact Sciences
Classification: Uncertain significance for FBXO11-related condition. Last evaluated: 2022-12-20. Review status: criteria provided, single submitter. Criteria: ACMG Guidelines, 2015. Collection method: clinical testing. Allele origin: germline.
Comment: The FBXO11 c.1068A>C variant is predicted to result in the amino acid substitution p.Gln356His. To our knowledge, this variant has not been reported in the literature. This variant is reported in 0.0033% of alleles in individuals of South Asian descent in gnomAD (i.e. 2 heterozygous individuals), calling its clinical significance into question. Other documented de novo causative missense changes in FBX011 are absent from the gnomAD database. At this time, the clinical significance of this variant is uncertain due to the absence of conclusive functional and genetic evidence.

NM_001190274.2(FBXO11):c.1068A>C (p.Gln356His)

Gene: FBXO11 (F-box protein 11; minus strand). Cytogenetic location: 2p16.3.
Variant type: single nucleotide variant.
Coding change: c.1068A>C on transcript NM_001190274.2 (MANE Select); coding-DNA position 1068, A replaced by C.
Protein change: p.Gln356His; replaces glutamine 356 with histidine.
Molecular consequence: missense variant.
Genome position (GRCh38, 1-based): chr2:47,832,854, T>G on the plus strand (A>C on the coding strand, the complement: FBXO11 is on the minus strand). VCF-style: chr2-47832854-T-G. GRCh37 (hg19) VCF-style: chr2-48059993-T-G.
Other names: c.816A>C, p.Gln272His (NM_001374325.1, NM_025133.4); short protein forms Q272H, Q356H.
Identifiers: ClinVar variation 2629872 (VCV002629872.4), dbSNP rs528107824, ClinGen allele CA1649946.